The following is an entry in ClinVar:

ClinVar aggregate classification (germline): Conflicting classifications of pathogenicity. Review status: criteria provided, conflicting classifications (1 of 4 stars). 6 submissions from 6 submitters: Uncertain significance (3); Likely benign (2). 1 of the submissions does not count toward it. Last evaluated 2026-01-19.

Conditions:
TTN-related disorder. Also called: TTN-related disorders; TTN-related condition; TTN-related disease.
Dilated cardiomyopathy 1G (CMD1G). Identifiers: Orphanet 154, MedGen C1858763, MONDO:0011400, OMIM 604145.
Autosomal recessive limb-girdle muscular dystrophy type 2J (LGMDR10). Also called: Limb-girdle muscular dystrophy, type 2J; MUSCULAR DYSTROPHY, LIMB-GIRDLE, AUTOSOMAL RECESSIVE 10. Identifiers: Orphanet 140922, MedGen C1837342, MONDO:0012127, OMIM 608807.
Primary dilated cardiomyopathy (DCM). Also called: Dilated Cardiomyopathy. Identifiers: Orphanet 217604, MedGen C0007193, MeSH D002311, MONDO:0005021, HP:0001644. Inheritance: Various modes of inheritance.

Allele frequency attached by ClinVar (database versions not stated): TOPMed 0.00009; gnomAD 0.00017 and 0.00019; ExAC 0.00022; gnomAD exomes 0.00024; 1000 Genomes Project 0.00060; 1000 Genomes Project 30x 0.00078.
gnomAD v4.1: 149 of 1,609,828 alleles (0.0093%); highest among the groups gnomAD compares: East Asian, 0.11%; no homozygotes.

Submissions (6):

Labcorp Genetics (formerly Invitae), Labcorp
Classification: Likely benign for Dilated cardiomyopathy 1G; Autosomal recessive limb-girdle muscular dystrophy type 2J. Last evaluated: 2026-01-19. Review status: criteria provided, single submitter. Criteria: Invitae Variant Classification Sherloc (09022015). Collection method: clinical testing. Allele origin: germline.

Revvity Omics, Revvity
Classification: Uncertain significance. Last evaluated: 2025-06-05. Review status: criteria provided, single submitter. Criteria: ACMG Guidelines, 2015. Collection method: clinical testing. Allele origin: germline.

Clinical Center for Gene Diagnosis and Therapy, Department of Cardiovascular Surgery, The Second Xiangya Hospital of Central South University
Classification: Uncertain significance for Primary dilated cardiomyopathy. Last evaluated: 2023-06-01. Review status: criteria provided, single submitter. Criteria: ACMG Guidelines, 2015. Collection method: clinical testing. Allele origin: germline. Affected: yes.

GeneDx
Classification: Likely benign. Last evaluated: 2020-05-20. Review status: criteria provided, single submitter. Criteria: GeneDx Variant Classification Process June 2021. Collection method: clinical testing. Allele origin: germline. Affected: yes.

Biesecker Lab/Clinical Genomics Section, National Institutes of Health
Classification: Uncertain significance. Last evaluated: 2013-06-24. Review status: criteria provided, single submitter. Criteria: Ng et al. (Circ Cardiovasc Genet. 2013). Collection method: research. Allele origin: unknown. Observed: 1 variant allele. Study: ClinSeq.
Comment: The study set was not selected for affection status in relation to any cancer. Pathogenicity categories were based on literature curation. See Pubmed ID:23861362 for details.

Medical sequencing

PreventionGenetics, part of Exact Sciences
Classification: Likely benign for TTN-related condition. Last evaluated: 2022-01-26. Review status: no assertion criteria provided. Collection method: clinical testing. Allele origin: germline. Not counted in ClinVar's aggregate classification.
Comment: This variant is classified as likely benign based on ACMG/AMP sequence variant interpretation guidelines (Richards et al. 2015 PMID: 25741868, with internal and published modifications).

NM_001267550.2(TTN):c.101708G>A (p.Arg33903His)

Genes: TTN (titin; minus strand), TTN-AS1 (TTN antisense RNA 1; plus strand). Cytogenetic location: 2q31.2.
Variant type: single nucleotide variant.
Coding change: c.101708G>A on transcript NM_001267550.2 (MANE Select); coding-DNA position 101708, G replaced by A.
Protein change: p.Arg33903His; replaces arginine 33903 with histidine.
Molecular consequence: missense variant.
Genome position (GRCh38, 1-based): chr2:178,534,907, C>T on the plus strand (G>A on the coding strand, the complement: TTN is on the minus strand). VCF-style: chr2-178534907-C-T. GRCh37 (hg19) VCF-style: chr2-179399634-C-T.
Other names: c.96785G>A, p.Arg32262His (NM_001256850.1); c.74513G>A, p.Arg24838His (NM_003319.4); c.94004G>A, p.Arg31335His (NM_133378.4); c.74888G>A, p.Arg24963His (NM_133432.3); c.75089G>A, p.Arg25030His (NM_133437.4); short protein forms R31335H, R33903H, R32262H, R24838H, R24963H, R25030H.
Identifiers: ClinVar variation 191823 (VCV000191823.26), dbSNP rs72629782, ClinGen allele CA237635.
Genomic context (GRCh38, chr2:178,534,907, plus strand): 5'-ACCTGGTGAACATAACTTACAATTTCTCTTTCATTAAGTTCAAAAGCACTTGTGTTAATG[C>T]GCTCAAATATGTCAAGTCCTGATATAAACTCAAAGATCATAACTAATTCTTCCATGCTTT-3'
Protein context (NP_001254479.2, residues 33893-33913): EFISGLDIFE[Arg33903His]INTSAFELNE